The following is an entry in ClinVar:

NM_001291415.2(KDM6A):c.1932G>C (p.Leu644Phe)

Gene: KDM6A (lysine demethylase 6A; plus strand). Cytogenetic location: Xp11.3.
Variant type: single nucleotide variant.
Coding change: c.1932G>C on transcript NM_001291415.2 (MANE Select); coding-DNA position 1932, G replaced by C.
Protein change: p.Leu644Phe; replaces leucine 644 with phenylalanine.
Molecular consequence: missense variant. On other transcripts: non-coding transcript variant (1).
Genome position (GRCh38, 1-based): chrX:45,063,670, G>C. VCF-style: chrX-45063670-G-C. GRCh37 (hg19) VCF-style: chrX-44922915-G-C.
Other names: c.888G>C, p.Leu296Phe (NM_001291421.2); c.1674G>C, p.Leu558Phe (NM_001410742.1, NM_001419814.1); c.1932G>C, p.Leu644Phe (NM_001419809.1); c.1830G>C, p.Leu610Phe (NM_001419810.1, NM_001419813.1); c.1797G>C, p.Leu599Phe (NM_001419811.1, NM_001291416.2); c.1776G>C, p.Leu592Phe (NM_001419812.1, NM_021140.4); c.1539G>C, p.Leu513Phe (NM_001419815.1, NM_001291418.2); c.1641G>C, p.Leu547Phe (NM_001291417.2); short protein forms L547F, L592F, L599F, L644F, L296F, L513F, L558F, L610F.
Identifiers: ClinVar variation 4711536 (VCV004711536.1).

ClinVar aggregate classification (germline): Uncertain significance (1 of 4 stars; one submission).

Conditions:
Kabuki syndrome 2 (KABUK2). Also called: KDM6A-Related Kabuki Syndrome. Identifiers: Orphanet 2322, MedGen C3275495, MONDO:0010465, OMIM 300867.

Submission:

Labcorp Genetics (formerly Invitae), Labcorp
Classification: Uncertain significance for Kabuki syndrome 2. Last evaluated: 2025-04-07. Review status: criteria provided, single submitter. Criteria: Invitae Variant Classification Sherloc (09022015). Collection method: clinical testing. Allele origin: germline.
Comment: This sequence change replaces leucine, which is neutral and non-polar, with phenylalanine, which is neutral and non-polar, at codon 592 of the KDM6A protein (p.Leu592Phe). This variant is not present in population databases (gnomAD no frequency). This variant has not been reported in the literature in individuals affected with KDM6A-related conditions. Invitae Evidence Modeling of protein sequence and biophysical properties (such as structural, functional, and spatial information, amino acid conservation, physicochemical variation, residue mobility, and thermodynamic stability) has been performed for this missense variant. However, the output from this modeling did not meet the statistical confidence thresholds required to predict the impact of this variant on KDM6A protein function. In summary, the available evidence is currently insufficient to determine the role of this variant in disease. Therefore, it has been classified as a Variant of Uncertain Significance.